The following is an entry in ClinVar:

NM_000492.4(CFTR):c.2075A>T (p.Glu692Val)

Gene: CFTR (CF transmembrane conductance regulator; plus strand). Cytogenetic location: 7q31.2.
Variant type: single nucleotide variant.
Coding change: c.2075A>T on transcript NM_000492.4 (MANE Select); coding-DNA position 2075, A replaced by T.
Protein change: p.Glu692Val; replaces glutamic acid 692 with valine.
Molecular consequence: missense variant.
Genome position (GRCh38, 1-based): chr7:117,592,242, A>T. VCF-style: chr7-117592242-A-T. GRCh37 (hg19) VCF-style: chr7-117232296-A-T.
Other names: short protein forms E692V.
Identifiers: ClinVar variation 1785448 (VCV001785448.2), dbSNP rs1792040662, ClinGen allele CA368979566.

ClinVar aggregate classification (germline): Uncertain significance (1 of 4 stars; one submission).

Conditions:
Cystic fibrosis (CF). Also called: MUCOVISCIDOSIS. Identifiers: Orphanet 586, MedGen C0010674, MONDO:0009061, OMIM 219700. Disease mechanism: loss of function.

Submission:

Ambry Genetics
Classification: Uncertain significance for Cystic fibrosis. Last evaluated: 2021-12-10. Review status: criteria provided, single submitter. Criteria: Ambry Variant Classification Scheme 2023. Collection method: clinical testing. Allele origin: germline.
Comment: The p.E692V variant (also known as c.2075A>T), located in coding exon 14 of the CFTR gene, results from an A to T substitution at nucleotide position 2075. The glutamic acid at codon 692 is replaced by valine, an amino acid with dissimilar properties. This amino acid position is conserved. In addition, the in silico prediction for this alteration is inconclusive. Since supporting evidence is limited at this time, the clinical significance of this alteration remains unclear.